The following is an entry in ClinVar:

ClinVar aggregate classification (germline): Uncertain significance (1 of 4 stars; one submission).

Allele frequency attached by ClinVar (database versions not stated): ExAC 0.00001.

Submission:

Labcorp Genetics (formerly Invitae), Labcorp
Classification: Uncertain significance. Last evaluated: 2021-12-17. Review status: criteria provided, single submitter. Criteria: Invitae Variant Classification Sherloc (09022015). Collection method: clinical testing. Allele origin: germline.
Comment: In summary, the available evidence is currently insufficient to determine the role of this variant in disease. Therefore, it has been classified as a Variant of Uncertain Significance. Algorithms developed to predict the effect of missense changes on protein structure and function are either unavailable or do not agree on the potential impact of this missense change (SIFT: "Tolerated"; PolyPhen-2: "Possibly Damaging"; Align-GVGD: "Class C0"). This sequence change replaces proline, which is neutral and non-polar, with alanine, which is neutral and non-polar, at codon 84 of the A2ML1 protein (p.Pro84Ala). This variant is present in population databases (rs749162506, gnomAD 0.0009%). This variant has not been reported in the literature in individuals affected with A2ML1-related conditions.

NM_144670.6(A2ML1):c.250C>G (p.Pro84Ala)

Genes: A2ML1 (alpha-2-macroglobulin like 1; plus strand), A2ML1-AS1 (A2ML1 antisense RNA 1; minus strand). Cytogenetic location: 12p13.31.
Variant type: single nucleotide variant.
Coding change: c.250C>G on transcript NM_144670.6 (MANE Select); coding-DNA position 250, C replaced by G.
Protein change: p.Pro84Ala; replaces proline 84 with alanine.
Molecular consequence: missense variant.
Genome position (GRCh38, 1-based): chr12:8,823,723, C>G. VCF-style: chr12-8823723-C-G. GRCh37 (hg19) VCF-style: chr12-8976319-C-G.
Other names: short protein forms P84A.
Identifiers: ClinVar variation 2045700 (VCV002045700.4), dbSNP rs749162506, ClinGen allele CA6435219.